The following is an entry in ClinVar:

ClinVar aggregate classification (germline): Uncertain significance. Review status: criteria provided, multiple submitters, no conflicts (2 of 4 stars). 6 submissions from 6 submitters: Uncertain significance (5). 1 of the submissions does not count toward it. Last evaluated 2026-03-03.

Conditions:
Bardet-Biedl syndrome 14 (BBS14). Identifiers: Orphanet 110, MedGen C2673874, MONDO:0014442, OMIM 615991.
Joubert syndrome 5 (JBTS5). Identifiers: Orphanet 2318, MedGen C1857780, MONDO:0012432, OMIM 610188.
Senior-Loken syndrome 6 (SLSN6). Identifiers: Orphanet 3156, MedGen C1857779, MONDO:0012433, OMIM 610189.
Meckel syndrome, type 4 (MKS4). Also called: MECKEL-GRUBER SYNDROME, TYPE 4. Identifiers: Orphanet 564, MedGen C1970161, MONDO:0012626, OMIM 611134.
Leber congenital amaurosis 10 (LCA10). Identifiers: Orphanet 65, MedGen C1857821, MONDO:0012723, OMIM 611755.
CEP290-related disorder. Also called: CEP290-related condition; CEP290-related disorders. Identifiers: MedGen CN239314.
Inborn genetic diseases. Identifiers: MedGen C0950123, MeSH D030342.
Leber congenital amaurosis (LCA). Also called: Leber's amaurosis. Identifiers: Orphanet 65, MedGen C0339527, MeSH D057130, MONDO:0018998.
Nephronophthisis. Also called: Juvenile Nephronophthisis. Identifiers: Orphanet 655, MedGen C0687120, MONDO:0019005, HP:0000090.
Meckel-Gruber syndrome. Also called: GRUBER SYNDROME; Dysencephalia splachnocystica; DYSENCEPHALIA SPLANCHNOCYSTICA. Identifiers: Orphanet 564, MedGen C0265215, MONDO:0018921.
Joubert syndrome. Also called: Familial aplasia of the vermis; JOUBERT-BOLTSHAUSER SYNDROME. Identifiers: Orphanet 475, MedGen C5979921, MONDO:0018772.

Allele frequency attached by ClinVar (database versions not stated): gnomAD exomes 0.00001; TOPMed 0.00012; gnomAD 0.00016 and 0.00018; ESP Exome Variant Server 0.00060.
gnomAD v4.1: 29 of 1,613,080 alleles (0.0018%); highest among the groups gnomAD compares: African/African-American, 0.039%; no homozygotes.

Submissions (6):

PreventionGenetics, part of Exact Sciences
Classification: Uncertain significance for CEP290-related condition. Last evaluated: 2026-03-03. Review status: criteria provided, single submitter. Criteria: ACMG Guidelines, 2015. Collection method: clinical testing. Allele origin: germline.
Comment: The CEP290 c.4360G>A variant is predicted to result in the amino acid substitution p.Glu1454Lys. To our knowledge, this variant has not been reported in the literature. This variant is reported in 0.050% of alleles in individuals of African descent in gnomAD. At this time, the clinical significance of this variant is uncertain due to the absence of conclusive functional and genetic evidence.

Labcorp Genetics (formerly Invitae), Labcorp
Classification: Uncertain significance for Joubert syndrome; Meckel-Gruber syndrome; Nephronophthisis. Last evaluated: 2024-09-06. Review status: criteria provided, single submitter. Criteria: Invitae Variant Classification Sherloc (09022015). Collection method: clinical testing. Allele origin: germline.
Comment: This sequence change replaces glutamic acid, which is acidic and polar, with lysine, which is basic and polar, at codon 1454 of the CEP290 protein (p.Glu1454Lys). This variant is present in population databases (rs369902368, gnomAD 0.05%). This variant has not been reported in the literature in individuals affected with CEP290-related conditions. ClinVar contains an entry for this variant (Variation ID: 957785). Invitae Evidence Modeling of protein sequence and biophysical properties (such as structural, functional, and spatial information, amino acid conservation, physicochemical variation, residue mobility, and thermodynamic stability) has been performed for this missense variant. However, the output from this modeling did not meet the statistical confidence thresholds required to predict the impact of this variant on CEP290 protein function. In summary, the available evidence is currently insufficient to determine the role of this variant in disease. Therefore, it has been classified as a Variant of Uncertain Significance.

Fulgent Genetics
Classification: Uncertain significance for Joubert syndrome 5; Senior-Loken syndrome 6; Meckel syndrome, type 4; Leber congenital amaurosis 10; Bardet-Biedl syndrome 14. Last evaluated: 2024-06-04. Review status: criteria provided, single submitter. Criteria: ACMG Guidelines, 2015. Collection method: clinical testing. Allele origin: germline.

Ambry Genetics
Classification: Uncertain significance for Inborn genetic diseases. Last evaluated: 2023-11-28. Review status: criteria provided, single submitter. Criteria: Ambry Variant Classification Scheme 2023. Collection method: clinical testing. Allele origin: germline.

Blueprint Genetics
Classification: Uncertain significance. Last evaluated: 2018-12-31. Review status: criteria provided, single submitter. Criteria: ACMG Guidelines, 2015. Collection method: clinical testing. Allele origin: germline.

Natera, Inc.
Classification: Uncertain significance for Leber congenital amaurosis. Last evaluated: 2020-11-10. Review status: no assertion criteria provided. Collection method: clinical testing. Allele origin: germline. Not counted in ClinVar's aggregate classification.

NM_025114.4(CEP290):c.4360G>A (p.Glu1454Lys)

Gene: CEP290 (centrosomal protein 290; minus strand). Cytogenetic location: 12q21.32.
Variant type: single nucleotide variant.
Coding change: c.4360G>A on transcript NM_025114.4 (MANE Select); coding-DNA position 4360, G replaced by A.
Protein change: p.Glu1454Lys; replaces glutamic acid 1454 with lysine.
Molecular consequence: missense variant.
Genome position (GRCh38, 1-based): chr12:88,086,116, C>T on the plus strand (G>A on the coding strand, the complement: CEP290 is on the minus strand). VCF-style: chr12-88086116-C-T. GRCh37 (hg19) VCF-style: chr12-88479893-C-T.
Other names: short protein forms E1454K.
Identifiers: ClinVar variation 957785 (VCV000957785.15), dbSNP rs369902368, ClinGen allele CA6711955.